The following is an entry in ClinVar:

NM_000138.5(FBN1):c.6515T>C (p.Val2172Ala)

Gene: FBN1 (fibrillin 1; minus strand). Cytogenetic location: 15q21.1.
Variant type: single nucleotide variant.
Coding change: c.6515T>C on transcript NM_000138.5 (MANE Select); coding-DNA position 6515, T replaced by C.
Protein change: p.Val2172Ala; replaces valine 2172 with alanine.
Molecular consequence: missense variant.
Genome position (GRCh38, 1-based): chr15:48,434,695, A>G on the plus strand (T>C on the coding strand, the complement: FBN1 is on the minus strand). VCF-style: chr15-48434695-A-G. GRCh37 (hg19) VCF-style: chr15-48726892-A-G.
Other names: c.6515T>C, p.Val2172Ala (NM_001406716.1); short protein forms V2172A.
Identifiers: ClinVar variation 3073974 (VCV003073974.1), dbSNP rs2505429631, ClinGen allele CA392335220.
Genomic context (GRCh38, chr15:48,434,695, plus strand): 5'-CAGGTGCATTCAAAACCTCCAATCACATTCTTGCAGGTTCCATTTCCACAAGGATTGCCA[A>G]CAGAACATTCATCAGTATCTGCAAGAAACCAGGAATGTGTCCAAAACATGATGAATTGAG-3'
Protein context (NP_000129.3, residues 2162-2182): NECVDTDECS[Val2172Ala]GNPCGNGTCK

ClinVar aggregate classification (germline): Uncertain significance (1 of 4 stars; one submission).

Conditions:
Marfan syndrome (MFS). Also called: MARFAN SYNDROME, TYPE I; Marfan syndrome type 1; Marfan's syndrome; Marfan syndrome, classic; FBN1-Related Marfan Syndrome. Identifiers: Orphanet 284963, Orphanet 558, MedGen C0024796, MONDO:0007947, OMIM 154700.

Allele frequency attached by ClinVar (database versions not stated): gnomAD exomes below 0.00001.
gnomAD v4.1: 1 of 1,613,788 alleles (0.000062%); highest among the groups gnomAD compares: Non-Finnish European, 0.000085%; no homozygotes.

Submission:

All of Us Research Program, National Institutes of Health
Classification: Uncertain significance for Marfan syndrome. Last evaluated: 2023-11-30. Review status: criteria provided, single submitter. Criteria: ACMG Guidelines, 2015. Collection method: clinical testing. Allele origin: germline. Inheritance: Autosomal dominant inheritance. Observed: 1 variant allele, 1 heterozygote.
Comment: This study involves interpretation of variants in research participants for the purpose of population health screening. Participant phenotype was not available at the time of variant classification. Additional details can be found in publication PMID: 35346344, PMCID: PMC8962531